The following is an entry in ClinVar:

NM_004369.4(COL6A3):c.4888C>T (p.Pro1630Ser)

Gene: COL6A3 (collagen type VI alpha 3 chain; minus strand). Cytogenetic location: 2q37.3.
Variant type: single nucleotide variant.
Coding change: c.4888C>T on transcript NM_004369.4 (MANE Select); coding-DNA position 4888, C replaced by T.
Protein change: p.Pro1630Ser; replaces proline 1630 with serine.
Molecular consequence: missense variant.
Genome position (GRCh38, 1-based): chr2:237,368,575, G>A on the plus strand (C>T on the coding strand, the complement: COL6A3 is on the minus strand). VCF-style: chr2-237368575-G-A. GRCh37 (hg19) VCF-style: chr2-238277218-G-A.
Other names: c.3067C>T, p.Pro1023Ser (NM_057166.5); c.4270C>T, p.Pro1424Ser (NM_057167.4); short protein forms P1630S, P1023S, P1424S.
Identifiers: ClinVar variation 210751 (VCV000210751.26), dbSNP rs145560772, ClinGen allele CA209210.

ClinVar aggregate classification (germline): Conflicting classifications of pathogenicity. Review status: criteria provided, conflicting classifications (1 of 4 stars). 7 submissions from 7 submitters: Uncertain significance (6); Likely benign (1). Last evaluated 2026-06-11.

Conditions:
Bethlem myopathy 1A. Also called: MYOPATHY, BENIGN CONGENITAL, WITH CONTRACTURES; Bethlem myopathy 1; Bethlem Muscular Dystrophy. Identifiers: Orphanet 610, MedGen CN029274, MONDO:0024530, OMIM 158810.
Inborn genetic diseases. Identifiers: MedGen C0950123, MeSH D030342.

Allele frequency attached by ClinVar (database versions not stated): gnomAD exomes 0.00005 and 0.00009; ExAC 0.00013; ESP Exome Variant Server 0.00038; 1000 Genomes Project 30x 0.00094; gnomAD 0.00041 and 0.00040; 1000 Genomes Project 0.00060; TOPMed 0.00043.
gnomAD v4.1: 134 of 1,614,152 alleles (0.0083%); highest among the groups gnomAD compares: African/African-American, 0.16%; no homozygotes.

Submissions (7):

Women's Health and Genetics/Laboratory Corporation of America, LabCorp
Classification: Uncertain significance. Last evaluated: 2026-06-11. Review status: criteria provided, single submitter. Criteria: LabCorp Variant Classification Summary - May 2015. Collection method: clinical testing. Allele origin: germline.
Comment: Variant summary: COL6A3 c.4888C>T (p.Pro1630Ser) results in a non-conservative amino acid change in the encoded protein sequence. Algorithms developed to predict the effect of missense changes on protein structure and function are either unavailable or do not agree on the potential impact of this missense change. The variant allele was found at a frequency of 9.2e-05 in 251332 control chromosomes. This frequency is not significantly higher than estimated for disease-causing variants in COL6A3, allowing no conclusion about variant significance. To our knowledge, no occurrence of c.4888C>T in individuals affected with COL6A3-related conditions and no experimental evidence demonstrating its impact on protein function have been reported. ClinVar contains an entry for this variant (Variation ID: 210751). Based on the evidence outlined above, the variant was classified as uncertain significance.

Labcorp Genetics (formerly Invitae), Labcorp
Classification: Likely benign for Bethlem myopathy 1A. Last evaluated: 2025-08-06. Review status: criteria provided, single submitter. Criteria: Invitae Variant Classification Sherloc (09022015). Collection method: clinical testing. Allele origin: germline.

Ambry Genetics
Classification: Uncertain significance for Inborn genetic diseases. Last evaluated: 2025-02-14. Review status: criteria provided, single submitter. Criteria: Ambry Variant Classification Scheme 2023. Collection method: clinical testing. Allele origin: germline.

GeneDx
Classification: Uncertain significance. Last evaluated: 2024-09-23. Review status: criteria provided, single submitter. Criteria: GeneDx Variant Classification Process June 2021. Collection method: clinical testing. Allele origin: germline. Affected: yes.
Comment: In silico analysis indicates that this missense variant does not alter protein structure/function; Has not been previously published as pathogenic or benign to our knowledge; This variant is associated with the following publications: (PMID: 30564623)

Revvity Omics, Revvity
Classification: Uncertain significance. Last evaluated: 2023-09-27. Review status: criteria provided, single submitter. Criteria: ACMG Guidelines, 2015. Collection method: clinical testing. Allele origin: germline.

Eurofins Ntd Llc (ga)
Classification: Uncertain significance. Last evaluated: 2015-10-07. Review status: criteria provided, single submitter. Criteria: EGL Classification Definitions 2015. Collection method: clinical testing. Allele origin: germline. Observed: 3 variant alleles, 3 heterozygotes.

Genetic Services Laboratory, University of Chicago
Classification: Uncertain significance. Last evaluated: 2015-08-06. Review status: criteria provided, single submitter. Criteria: ACMG Guidelines, 2015. Collection method: clinical testing. Allele origin: germline.